The following is an entry in ClinVar:

ClinVar aggregate classification (germline): Uncertain significance (1 of 4 stars; one submission).

Conditions:
Saldino-Mainzer syndrome (SRTD9). Also called: CONORENAL SYNDROME; Renal dysplasia, retinal pigmentary dystrophy, cerebellar ataxia and skeletal dysplasia; SHORT-RIB THORACIC DYSPLASIA 9 WITHOUT POLYDACTYLY; short-rib thoracic dysplasia 9 with or without polydactyly. Identifiers: Orphanet 140969, MedGen C1849437, MONDO:0009964, OMIM 266920.

Submission:

Labcorp Genetics (formerly Invitae), Labcorp
Classification: Uncertain significance for Saldino-Mainzer syndrome. Last evaluated: 2025-11-04. Review status: criteria provided, single submitter. Criteria: Invitae Variant Classification Sherloc (09022015). Collection method: clinical testing. Allele origin: germline.
Comment: This sequence change replaces isoleucine, which is neutral and non-polar, with threonine, which is neutral and polar, at codon 1373 of the IFT140 protein (p.Ile1373Thr). This variant is not present in population databases (gnomAD no frequency). This variant has not been reported in the literature in individuals affected with IFT140-related conditions. Invitae Evidence Modeling of protein sequence and biophysical properties (such as structural, functional, and spatial information, amino acid conservation, physicochemical variation, residue mobility, and thermodynamic stability) has been performed for this missense variant. However, the output from this modeling did not meet the statistical confidence thresholds required to predict the impact of this variant on IFT140 protein function. In summary, the available evidence is currently insufficient to determine the role of this variant in disease. Therefore, it has been classified as a Variant of Uncertain Significance.

NM_014714.4(IFT140):c.4118T>C (p.Ile1373Thr)

Gene: IFT140 (intraflagellar transport 140; minus strand). Cytogenetic location: 16p13.3.
Variant type: single nucleotide variant.
Coding change: c.4118T>C on transcript NM_014714.4 (MANE Select); coding-DNA position 4118, T replaced by C.
Protein change: p.Ile1373Thr; replaces isoleucine 1373 with threonine.
Molecular consequence: missense variant.
Genome position (GRCh38, 1-based): chr16:1,518,280, A>G on the plus strand (T>C on the coding strand, the complement: IFT140 is on the minus strand). VCF-style: chr16-1518280-A-G. GRCh37 (hg19) VCF-style: chr16-1568281-A-G.
Other names: short protein forms I1373T.
Identifiers: ClinVar variation 4745824 (VCV004745824.1).